The following is an entry in ClinVar:

ClinVar aggregate classification (germline): Pathogenic. Review status: criteria provided, multiple submitters, no conflicts (2 of 4 stars). 2 submissions from 2 submitters: Pathogenic (2). Last evaluated 2026-02-17.

Conditions:
Spastic paraplegia 86, autosomal recessive (SPG86). Identifiers: Orphanet 631085, MedGen C5676910, MONDO:0030673, OMIM 619735.

gnomAD v4.1: 1 of 1,613,116 alleles (0.000062%); highest among the groups gnomAD compares: Non-Finnish European, 0.000085%; no homozygotes.

Submissions (2):

Kasturba Medical College, Manipal, Kasturba Medical College, Manipal, Manipal Academy of Higher Education, Manipal, India
Classification: Pathogenic for Spastic paraplegia 86, autosomal recessive. Last evaluated: 2026-02-17. Review status: criteria provided, single submitter. Criteria: ACMG Guidelines, 2015. Collection method: research. Allele origin: biparental. Inheritance: Autosomal recessive inheritance. Affected: yes. Observed: 1 homozygote.
Comment: This variant is present in heterozygous state in 1 individual in the gnomAD (v4.1.0) population database. This variant is absent in homozygous state in gnomAD (v4.1.0) and in our in-house data of 3987 exomes. The variant likely introduces a premature termination codon, which may either result in truncated protein or trigger nonsense-medicated decay. Mono-allelic loss of function variants (nonsense/frameshift) including those located towards the 3’ end of ABHD16A are known to be causative of Spastic paraplegia 86, autosomal recessive.

3billion
Classification: Pathogenic for Spastic paraplegia 86, autosomal recessive. Last evaluated: 2024-11-19. Review status: criteria provided, single submitter. Criteria: ACMG Guidelines, 2015. Collection method: clinical testing. Allele origin: germline. Affected: yes.
Comment: The variant is observed at an extremely low frequency in the gnomAD v4.1.0 dataset (total allele frequency: <0.001%). Predicted Consequence/Location: Stop-gained (nonsense): predicted to result in a loss or disruption of normal protein function through nonsense-mediated decay (NMD) or protein truncation. Multiple pathogenic variants are reported downstream of the variant. Therefore, this variant is classified as Pathogenic according to the recommendation of ACMG/AMP guideline.

NM_021160.3(ABHD16A):c.514C>T (p.Arg172Ter)

Gene: ABHD16A (abhydrolase domain containing 16A, phospholipase; minus strand). Cytogenetic location: 6p21.33.
Variant type: single nucleotide variant.
Coding change: c.514C>T on transcript NM_021160.3 (MANE Select); coding-DNA position 514, C replaced by T.
Protein change: p.Arg172Ter; replaces arginine 172 with a stop codon.
Molecular consequence: nonsense. On other transcripts: non-coding transcript variant (2).
Genome position (GRCh38, 1-based): chr6:31,693,139, G>A on the plus strand (C>T on the coding strand, the complement: ABHD16A is on the minus strand). VCF-style: chr6-31693139-G-A. GRCh37 (hg19) VCF-style: chr6-31660916-G-A.
Other names: c.415C>T, p.Arg139Ter (NM_001177515.2); short protein forms R139*, R172*.
Identifiers: ClinVar variation 4292694 (VCV004292694.2).